The following is an entry in ClinVar:

NM_017999.5(RNF31):c.722A>G (p.Asp241Gly)

Gene: RNF31 (ring finger protein 31; plus strand). Cytogenetic location: 14q12.
Variant type: single nucleotide variant.
Coding change: c.722A>G on transcript NM_017999.5 (MANE Select); coding-DNA position 722, A replaced by G.
Protein change: p.Asp241Gly; replaces aspartic acid 241 with glycine.
Molecular consequence: missense variant.
Genome position (GRCh38, 1-based): chr14:24,149,496, A>G. VCF-style: chr14-24149496-A-G. GRCh37 (hg19) VCF-style: chr14-24618705-A-G.
Other names: c.269A>G, p.Asp90Gly (NM_001310332.2); short protein forms D90G, D241G.
Identifiers: ClinVar variation 2791911 (VCV002791911.3), dbSNP rs1437134740, ClinGen allele CA389290825.

ClinVar aggregate classification (germline): Uncertain significance (1 of 4 stars; one submission).

Allele frequency attached by ClinVar (database versions not stated): gnomAD 0.00001.

Submission:

Labcorp Genetics (formerly Invitae), Labcorp
Classification: Uncertain significance. Last evaluated: 2023-05-12. Review status: criteria provided, single submitter. Criteria: Invitae Variant Classification Sherloc (09022015). Collection method: clinical testing. Allele origin: germline.
Comment: In summary, the available evidence is currently insufficient to determine the role of this variant in disease. Therefore, it has been classified as a Variant of Uncertain Significance. An algorithm developed to predict the effect of missense changes on protein structure and function (PolyPhen-2) suggests that this variant is likely to be disruptive. This variant has not been reported in the literature in individuals affected with RNF31-related conditions. This variant is present in population databases (no rsID available, gnomAD 0.007%). This sequence change replaces aspartic acid, which is acidic and polar, with glycine, which is neutral and non-polar, at codon 241 of the RNF31 protein (p.Asp241Gly).